The following is an entry in ClinVar:

ClinVar aggregate classification (germline): Uncertain significance (1 of 4 stars; one submission).

Allele frequency attached by ClinVar (database versions not stated): gnomAD 0.00001; TOPMed 0.00001.

Submission:

Labcorp Genetics (formerly Invitae), Labcorp
Classification: Uncertain significance. Last evaluated: 2020-11-25. Review status: criteria provided, single submitter. Criteria: Invitae Variant Classification Sherloc (09022015). Collection method: clinical testing. Allele origin: germline.
Comment: In summary, the available evidence is currently insufficient to determine the role of this variant in disease. Therefore, it has been classified as a Variant of Uncertain Significance. Algorithms developed to predict the effect of missense changes on protein structure and function are either unavailable or do not agree on the potential impact of this missense change (SIFT: "Tolerated"; PolyPhen-2: "Possibly Damaging"; Align-GVGD: "Class C0"). This variant has not been reported in the literature in individuals with SPP2-related conditions. This variant is not present in population databases (ExAC no frequency). This sequence change replaces tyrosine with cysteine at codon 164 of the SPP2 protein (p.Tyr164Cys). The tyrosine residue is moderately conserved and there is a large physicochemical difference between tyrosine and cysteine.

NM_006944.3(SPP2):c.491A>G (p.Tyr164Cys)

Gene: SPP2 (secreted phosphoprotein 2; plus strand). Cytogenetic location: 2q37.1.
Variant type: single nucleotide variant.
Coding change: c.491A>G on transcript NM_006944.3 (MANE Select); coding-DNA position 491, A replaced by G.
Protein change: p.Tyr164Cys; replaces tyrosine 164 with cysteine.
Molecular consequence: missense variant.
Genome position (GRCh38, 1-based): chr2:234,066,579, A>G. VCF-style: chr2-234066579-A-G. GRCh37 (hg19) VCF-style: chr2-234975223-A-G.
Other names: short protein forms Y164C.
Identifiers: ClinVar variation 1467041 (VCV001467041.8), dbSNP rs1693826632, ClinGen allele CA351104913.